The following is an entry in ClinVar:

ClinVar aggregate classification (germline): Uncertain significance (1 of 4 stars; one submission).

Conditions:
Hereditary cancer-predisposing syndrome. Also called: Neoplastic Syndromes, Hereditary; Hereditary neoplastic syndrome; Tumor predisposition; Hereditary Cancer Syndrome. Identifiers: Orphanet 140162, MedGen C0027672, MeSH D009386, MONDO:0015356.

gnomAD v4.1: 1 of 1,614,132 alleles (0.000062%); no homozygotes.

Submission:

Ambry Genetics
Classification: Uncertain significance for Hereditary cancer-predisposing syndrome. Last evaluated: 2026-01-21. Review status: criteria provided, single submitter. Criteria: Ambry Variant Classification Scheme 2023. Collection method: clinical testing. Allele origin: germline.
Comment: The p.D602V variant (also known as c.1805A>T), located in coding exon 9 of the ALK gene, results from an A to T substitution at nucleotide position 1805. The aspartic acid at codon 602 is replaced by valine, an amino acid with highly dissimilar properties. This amino acid position is conserved. In addition, this alteration is predicted to be tolerated by in silico analysis. Based on the available evidence, the clinical significance of this variant remains unclear.

NM_004304.5(ALK):c.1805A>T (p.Asp602Val)

Gene: ALK (ALK receptor tyrosine kinase; minus strand). Cytogenetic location: 2p23.2.
Variant type: single nucleotide variant.
Coding change: c.1805A>T on transcript NM_004304.5 (MANE Select); coding-DNA position 1805, A replaced by T.
Protein change: p.Asp602Val; replaces aspartic acid 602 with valine.
Molecular consequence: missense variant.
Genome position (GRCh38, 1-based): chr2:29,296,900, T>A on the plus strand (A>T on the coding strand, the complement: ALK is on the minus strand). VCF-style: chr2-29296900-T-A. GRCh37 (hg19) VCF-style: chr2-29519766-T-A.
Other names: short protein forms D602V.
Identifiers: ClinVar variation 4824812 (VCV004824812.1).